The following is an entry in ClinVar:

NM_007294.4(BRCA1):c.2921del (p.Leu974fs)

Gene: BRCA1 (BRCA1 DNA repair associated; minus strand). Cytogenetic location: 17q21.31.
Variant type: Deletion.
Coding change: c.2921del on transcript NM_007294.4 (MANE Select); coding-DNA position 2921, one base deleted (T; older notation c.2921delT).
Protein change: p.Leu974fs; shifts the reading frame from leucine 974.
Molecular consequence: frameshift variant. On other transcripts: intron variant (137).
Genome position (GRCh38, 1-based): chr17:43,092,610, A deleted on the plus strand (T on the coding strand, the reverse complement: BRCA1 is on the minus strand); the first of 4 consecutive A bases (chr17:43,092,610-43,092,613); deleting any one gives the same sequence. VCF-style (leftmost placement, unchanged base first): chr17-43092609-TA-T. GRCh37 (hg19) VCF-style: chr17-41244626-TA-T.
Other names: c.2798del, p.Leu933fs (NM_001407682.1, NM_001407683.1, NM_001407648.1 and 19 more transcripts); c.2921del, p.Leu974fs (NM_001407684.1, NM_001407581.1, NM_001407582.1 and 30 more transcripts); c.2795del, p.Leu932fs (NM_001407685.1, NM_001407689.1, NM_001407690.1 and 11 more transcripts); c.2780del, p.Leu927fs (NM_001407695.1, NM_001407696.1, NM_001407697.1 and 29 more transcripts); c.2921delT (NM_007294.3); c.2708del, p.Leu903fs (NM_001407571.1, NM_001407853.1, NM_001407894.1 and 9 more transcripts); c.2918del, p.Leu973fs (NM_001407587.1, NM_001407590.1, NM_001407591.1 and 22 more transcripts); c.2912del, p.Leu971fs (NM_001407646.1, NM_001407647.1); and 43 more; short protein forms L974fs, L927fs, L678fs, L846fs, L863fs, L885fs, L886fs, L933fs.
Identifiers: ClinVar variation 923350 (VCV000923350.13), dbSNP rs80357611, ClinGen allele CA1139665624.

ClinVar aggregate classification (germline): Pathogenic. Review status: criteria provided, multiple submitters, no conflicts (2 of 4 stars). 3 submissions from 3 submitters: Pathogenic (3). Last evaluated 2024-04-18.

Conditions:
Hereditary breast ovarian cancer syndrome. Also called: BRCA1- and BRCA2-Associated Hereditary Breast and Ovarian Cancer; Hereditary breast and ovarian cancer syndrome; Hereditary breast and ovarian cancer; Hereditary breast and ovarian cancer syndrome (HBOC); Breast and ovarian cancer; Hereditary breast and/or ovarian cancer syndrome. Identifiers: Orphanet 145, MedGen C0677776, MeSH D061325, MONDO:0003582. Disease mechanism: loss of function.
Hereditary cancer-predisposing syndrome. Also called: Neoplastic Syndromes, Hereditary; Tumor predisposition; Hereditary Cancer Syndrome; Hereditary neoplastic syndrome. Identifiers: Orphanet 140162, MedGen C0027672, MeSH D009386, MONDO:0015356.

Submissions (3):

Ambry Genetics
Classification: Pathogenic for Hereditary cancer-predisposing syndrome. Last evaluated: 2024-04-18. Review status: criteria provided, single submitter. Criteria: Ambry Variant Classification Scheme 2023. Collection method: clinical testing. Allele origin: germline.
Comment: The c.2921delT pathogenic mutation, located in coding exon 9 of the BRCA1 gene, results from a deletion of one nucleotide at nucleotide position 2921, causing a translational frameshift with a predicted alternate stop codon (p.L974Yfs*26). This variant is considered to be rare based on population cohorts in the Genome Aggregation Database (gnomAD). This alteration is expected to result in loss of function by premature protein truncation or nonsense-mediated mRNA decay. As such, this alteration is interpreted as a disease-causing mutation.

Labcorp Genetics (formerly Invitae), Labcorp
Classification: Pathogenic for Hereditary breast ovarian cancer syndrome. Last evaluated: 2023-04-11. Review status: criteria provided, single submitter. Criteria: Invitae Variant Classification Sherloc (09022015). Collection method: clinical testing. Allele origin: germline.
Comment: This sequence change creates a premature translational stop signal (p.Leu974Tyrfs*26) in the BRCA1 gene. It is expected to result in an absent or disrupted protein product. Loss-of-function variants in BRCA1 are known to be pathogenic (PMID: 20104584). This variant is not present in population databases (gnomAD no frequency). This variant has not been reported in the literature in individuals affected with BRCA1-related conditions. ClinVar contains an entry for this variant (Variation ID: 923350). For these reasons, this variant has been classified as Pathogenic.

Color Diagnostics, LLC DBA Color Health
Classification: Pathogenic for Hereditary cancer-predisposing syndrome. Last evaluated: 2020-01-24. Review status: criteria provided, single submitter. Criteria: ACMG Guidelines, 2015. Collection method: clinical testing. Allele origin: germline.
Comment: This variant deletes 1 nucleotide in exon 10 of the BRCA1 gene, creating a frameshift and premature translation stop signal. This variant is expected to result in an absent or non-functional protein product. To our knowledge, this variant has not been reported in individuals affected with hereditary cancer in the literature. This variant has not been identified in the general population by the Genome Aggregation Database (gnomAD). Loss of BRCA1 function is a known mechanism of disease. Based on the available evidence, this variant is classified as Pathogenic.

Literature cited by the submitters: PubMed 20104584 (cited by Labcorp Genetics (formerly Invitae), Labcorp).